The following is an entry in ClinVar:

ClinVar aggregate classification (germline): Uncertain significance (1 of 4 stars; one submission).

Conditions:
Ciliary dyskinesia, primary, 44. Also called: CILIARY DYSKINESIA, PRIMARY, 44, WITHOUT SITUS INVERSUS. Identifiers: MedGen C5394063, MONDO:0032914, OMIM 618781.

gnomAD v4.1: 109 of 1,612,100 alleles (0.0068%); highest among the groups gnomAD compares: South Asian, 0.11%; no homozygotes.

Submission:

Neuberg Centre For Genomic Medicine, NCGM
Classification: Uncertain significance for Ciliary dyskinesia, primary, 44. Review status: criteria provided, single submitter. Criteria: ACMG Guidelines, 2015. Collection method: clinical testing. Allele origin: germline. Inheritance: Autosomal recessive inheritance. Affected: yes.
Comment: The missense c.2754C>Ap.Ser918Arg variant in NEK10 gene has not been reported previously as a pathogenic variant nor as a benign variant, to our knowledge. This variant is reported with the allele frequency of 0.01% in the gnomAD Exomes and novel in 1000 Genomes. The amino acid Ser at position 918 is changed to a Arg changing protein sequence and it might alter its composition and physico-chemical properties. The amino acid change p.Ser918Arg in NEK10 is predicted as conserved by GERP++ and PhyloP across 100 vertebrates. The variant is predicted as damaging by SIFT. For these reasons, this variant has been classified as Uncertain Significance.

NM_001394966.1(NEK10):c.2754C>A (p.Ser918Arg)

Gene: NEK10 (NIMA related kinase 10; minus strand). Cytogenetic location: 3p24.1.
Variant type: single nucleotide variant.
Coding change: c.2754C>A on transcript NM_001394966.1 (MANE Select); coding-DNA position 2754, C replaced by A.
Protein change: p.Ser918Arg; replaces serine 918 with arginine.
Molecular consequence: missense variant.
Genome position (GRCh38, 1-based): chr3:27,174,461, G>T on the plus strand (C>A on the coding strand, the complement: NEK10 is on the minus strand). VCF-style: chr3-27174461-G-T. GRCh37 (hg19) VCF-style: chr3-27215952-G-T.
Other names: c.690C>A, p.Ser230Arg (NM_001031741.5, NM_001304384.3); c.2754C>A, p.Ser918Arg (NM_001394963.1, NM_001394965.1, NM_001394970.1 and 2 more transcripts); c.2667C>A, p.Ser889Arg (NM_001394964.1, NM_001394967.1); c.2637C>A, p.Ser879Arg (NM_001394968.1); c.2466C>A, p.Ser822Arg (NM_001394969.1); short protein forms S230R, S822R, S879R, S889R, S918R.
Identifiers: ClinVar variation 3235019 (VCV003235019.1), dbSNP rs770055117, ClinGen allele CA2290347.